The following is an entry in ClinVar:

ClinVar aggregate classification (germline): Pathogenic/Likely pathogenic. Review status: criteria provided, multiple submitters, no conflicts (2 of 4 stars). 5 submissions from 5 submitters: Pathogenic (3); Likely pathogenic (1). 1 of the submissions does not count toward it. Last evaluated 2025-07-14.

Conditions:
Primary ciliary dyskinesia 3. Identifiers: Orphanet 244, MedGen C1837618, MONDO:0012085, OMIM 608644.
Primary ciliary dyskinesia. Also called: Ciliary dyskinesia. Identifiers: Orphanet 244, MedGen C0008780, MONDO:0016575, HP:0012265.

Allele frequency attached by ClinVar (database versions not stated): gnomAD exomes below 0.00001.
gnomAD v4.1: 3 of 1,614,198 alleles (0.00019%); highest among the groups gnomAD compares: Non-Finnish European, 0.00025%; no homozygotes.

Submissions (5):

Labcorp Genetics (formerly Invitae), Labcorp
Classification: Pathogenic for Primary ciliary dyskinesia. Last evaluated: 2025-07-14. Review status: criteria provided, single submitter. Criteria: Invitae Variant Classification Sherloc (09022015). Collection method: clinical testing. Allele origin: germline.
Comment: This sequence change creates a premature translational stop signal (p.Gln3267*) in the DNAH5 gene. It is expected to result in an absent or disrupted protein product. Loss-of-function variants in DNAH5 are known to be pathogenic (PMID: 11788826, 16627867). This variant is not present in population databases (gnomAD no frequency). This premature translational stop signal has been observed in individual(s) with primary ciliary dyskinesia (PMID: 30067075). ClinVar contains an entry for this variant (Variation ID: 1075777). Algorithms developed to predict the effect of sequence changes on RNA splicing suggest that this variant may disrupt the consensus splice site. For these reasons, this variant has been classified as Pathogenic.

Natera, Inc.
Classification: Likely pathogenic for Primary ciliary dyskinesia. Last evaluated: 2025-03-18. Review status: criteria provided, single submitter. Criteria: Natera Variant Classification Schema (03/2026). Collection method: clinical testing. Allele origin: germline.
Comment: The c.9799C>T variant in DNAH5 is a nonsense variant predicted to introduce a stop codon at amino acid 3267. This variant is expected to result in nonsense mediated decay, truncation, or a dysfunctional protein product. This variant is rare in the general population with a frequency below the threshold expected for the associated phenotype(s). Given the available evidence, this variant is classified as Likely Pathogenic.

Myriad Genetics, Inc.
Classification: Pathogenic for Primary ciliary dyskinesia 3. Last evaluated: 2024-05-14. Review status: criteria provided, single submitter. Criteria: Myriad Autosomal Dominant, Autosomal Recessive and X-Linked Classification Criteria (2023). Collection method: clinical testing. Allele origin: unknown.
Comment: NM_001369.2(DNAH5):c.9799C>T(Q3267*) is expected to be pathogenic in the context of primary ciliary dyskinesia, DNAH5-related. This variant is predicted to lead to an abnormal or absent protein product due to the creation of a premature termination codon in DNAH5, a gene where loss-of-function variants are known to be pathogenic. Please note: this variant was assessed in the context of healthy population screening.

Ambry Genetics
Classification: Pathogenic for Primary ciliary dyskinesia. Last evaluated: 2024-01-11. Review status: criteria provided, single submitter. Criteria: Ambry Variant Classification Scheme 2023. Collection method: clinical testing. Allele origin: germline.
Comment: The p.Q3267* pathogenic mutation (also known as c.9799C>T), located in coding exon 58 of the DNAH5 gene, results from a C to T substitution at nucleotide position 9799. This changes the amino acid from a glutamine to a stop codon within coding exon 58. This mutation was identified in an individual with a clinical diagnosis of PCD in conjunction with a second DNAH5 variant; however, phase information was not provided (Davis SD et al. Am J Respir Crit Care Med, 2019 Jan;199:190-198). In addition to the clinical data presented in the literature, this alteration is expected to result in loss of function by premature protein truncation or nonsense-mediated mRNA decay. As such, this alteration is interpreted as a disease-causing mutation.

Yale Center for Mendelian Genomics, Yale University
Classification: Likely pathogenic for Primary ciliary dyskinesia. Last evaluated: 2018-08-01. Review status: no assertion criteria provided. Collection method: literature only. Allele origin: germline. Affected: yes. Observed: 1 compound heterozygote. Study: Yale Center for Mendelian Genomics. Not counted in ClinVar's aggregate classification.

Literature cited by the submitters: PubMed 11788826 (cited by Labcorp Genetics (formerly Invitae), Labcorp); PubMed 16627867 (cited by Labcorp Genetics (formerly Invitae), Labcorp); PubMed 30067075 (cited by 3 submitters).

NM_001369.3(DNAH5):c.9799C>T (p.Gln3267Ter)

Gene: DNAH5 (dynein axonemal heavy chain 5; minus strand). Cytogenetic location: 5p15.2.
Variant type: single nucleotide variant.
Coding change: c.9799C>T on transcript NM_001369.3 (MANE Select); coding-DNA position 9799, C replaced by T.
Protein change: p.Gln3267Ter; replaces glutamine 3267 with a stop codon.
Molecular consequence: nonsense.
Genome position (GRCh38, 1-based): chr5:13,769,058, G>A on the plus strand (C>T on the coding strand, the complement: DNAH5 is on the minus strand). VCF-style: chr5-13769058-G-A. GRCh37 (hg19) VCF-style: chr5-13769167-G-A.
Other names: short protein forms Q3267*.
Identifiers: ClinVar variation 1075777 (VCV001075777.13), dbSNP rs923842695, ClinGen allele CA359201959.